The following is an entry in ClinVar:

NM_198576.4(AGRN):c.829C>G (p.Arg277Gly)

Gene: AGRN (agrin; plus strand). Cytogenetic location: 1p36.33.
Variant type: single nucleotide variant.
Coding change: c.829C>G on transcript NM_198576.4 (MANE Select); coding-DNA position 829, C replaced by G.
Protein change: p.Arg277Gly; replaces arginine 277 with glycine.
Molecular consequence: missense variant.
Genome position (GRCh38, 1-based): chr1:1,041,274, C>G. VCF-style: chr1-1041274-C-G. GRCh37 (hg19) VCF-style: chr1-976654-C-G.
Other names: c.829C>G, p.Arg277Gly (NM_001305275.2); c.514C>G, p.Arg172Gly (NM_001364727.2); short protein forms R277G, R172G.
Identifiers: ClinVar variation 948843 (VCV000948843.10), dbSNP rs1256837701, ClinGen allele CA337824261.

ClinVar aggregate classification (germline): Uncertain significance. Review status: criteria provided, multiple submitters, no conflicts (2 of 4 stars). 2 submissions from 2 submitters: Uncertain significance (2). Last evaluated 2024-11-13.

Conditions:
Inborn genetic diseases. Identifiers: MedGen C0950123, MeSH D030342.
Congenital myasthenic syndrome 8. Also called: Myasthenic syndrome, congenital, 8, with pre- and postsynaptic defects; MYASTHENIC SYNDROME, CONGENITAL, DUE TO AGRIN DEFICIENCY. Identifiers: Orphanet 590, MedGen C3808739, MONDO:0014052, OMIM 615120.

Allele frequency attached by ClinVar (database versions not stated): 1000 Genomes Project 30x 0.00016.
gnomAD v4.1: 5 of 1,508,860 alleles (0.00033%); highest among the groups gnomAD compares: African/African-American, 0.0057%; no homozygotes.

Submissions (2):

Ambry Genetics
Classification: Uncertain significance for Inborn genetic diseases. Last evaluated: 2024-11-13. Review status: criteria provided, single submitter. Criteria: Ambry Variant Classification Scheme 2023. Collection method: clinical testing. Allele origin: germline.

Labcorp Genetics (formerly Invitae), Labcorp
Classification: Uncertain significance for Congenital myasthenic syndrome 8. Last evaluated: 2023-10-23. Review status: criteria provided, single submitter. Criteria: Invitae Variant Classification Sherloc (09022015). Collection method: clinical testing. Allele origin: germline.
Comment: This sequence change replaces arginine, which is basic and polar, with glycine, which is neutral and non-polar, at codon 277 of the AGRN protein (p.Arg277Gly). This variant is not present in population databases (gnomAD no frequency). This variant has not been reported in the literature in individuals affected with AGRN-related conditions. ClinVar contains an entry for this variant (Variation ID: 948843). An algorithm developed to predict the effect of missense changes on protein structure and function (PolyPhen-2) suggests that this variant is likely to be disruptive. In summary, the available evidence is currently insufficient to determine the role of this variant in disease. Therefore, it has been classified as a Variant of Uncertain Significance.